The following is an entry in ClinVar:

ClinVar aggregate classification (germline): Uncertain significance. Review status: criteria provided, multiple submitters, no conflicts (2 of 4 stars). 2 submissions from 2 submitters: Uncertain significance (2). Last evaluated 2025-07-30.

Conditions:
KBG syndrome (KBGS). Also called: ANKRD11-Related KBG Syndrome. Identifiers: Orphanet 2332, MedGen C0220687, MONDO:0007846, OMIM 148050.
Inborn genetic diseases. Identifiers: MedGen C0950123, MeSH D030342.

Allele frequency attached by ClinVar (database versions not stated): gnomAD exomes 0.00001; TOPMed 0.00001; ExAC 0.00001.
gnomAD v4.1: 15 of 1,614,000 alleles (0.00093%); highest among the groups gnomAD compares: Middle Eastern, 0.016%; no homozygotes.

Submissions (2):

Labcorp Genetics (formerly Invitae), Labcorp
Classification: Uncertain significance for KBG syndrome. Last evaluated: 2025-07-30. Review status: criteria provided, single submitter. Criteria: Invitae Variant Classification Sherloc (09022015). Collection method: clinical testing. Allele origin: germline.
Comment: This sequence change replaces threonine, which is neutral and polar, with methionine, which is neutral and non-polar, at codon 410 of the ANKRD11 protein (p.Thr410Met). This variant is present in population databases (rs756611123, gnomAD 0.01%). This variant has not been reported in the literature in individuals affected with ANKRD11-related conditions. ClinVar contains an entry for this variant (Variation ID: 1755004). Invitae Evidence Modeling of protein sequence and biophysical properties (such as structural, functional, and spatial information, amino acid conservation, physicochemical variation, residue mobility, and thermodynamic stability) indicates that this missense variant is not expected to disrupt ANKRD11 protein function with a negative predictive value of 95%. In summary, the available evidence is currently insufficient to determine the role of this variant in disease. Therefore, it has been classified as a Variant of Uncertain Significance.

Ambry Genetics
Classification: Uncertain significance for Inborn genetic diseases. Last evaluated: 2020-03-30. Review status: criteria provided, single submitter. Criteria: Ambry Variant Classification Scheme 2023. Collection method: clinical testing. Allele origin: germline.
Comment: The p.T410M variant (also known as c.1229C>T), located in coding exon 7 of the ANKRD11 gene, results from a C to T substitution at nucleotide position 1229. The threonine at codon 410 is replaced by methionine, an amino acid with similar properties. This amino acid position is highly conserved in available vertebrate species. In addition, this alteration is predicted to be tolerated by in silico analysis. Since supporting evidence is limited at this time, the clinical significance of this alteration remains unclear.

NM_013275.6(ANKRD11):c.1229C>T (p.Thr410Met)

Gene: ANKRD11 (ankyrin repeat domain 11; minus strand). Cytogenetic location: 16q24.3.
Variant type: single nucleotide variant.
Coding change: c.1229C>T on transcript NM_013275.6 (MANE Select); coding-DNA position 1229, C replaced by T.
Protein change: p.Thr410Met; replaces threonine 410 with methionine.
Molecular consequence: missense variant.
Genome position (GRCh38, 1-based): chr16:89,285,313, G>A on the plus strand (C>T on the coding strand, the complement: ANKRD11 is on the minus strand). VCF-style: chr16-89285313-G-A. GRCh37 (hg19) VCF-style: chr16-89351721-G-A.
Other names: c.1229C>T, p.Thr410Met (NM_001256182.2, NM_001256183.2); short protein forms T410M.
Identifiers: ClinVar variation 1755004 (VCV001755004.3), dbSNP rs756611123, ClinGen allele CA8242837.